The following is an entry in ClinVar:

NM_000060.4:c.1369G>A

Variant type: single nucleotide variant.
Other names: c.1369G>A (NM_000060.4).
Identifiers: ClinVar variation 4815964 (VCV004815964.1).

ClinVar aggregate classification (germline): Pathogenic (1 of 4 stars; one submission).

Conditions:
Biotinidase deficiency. Also called: BTD deficiency; Late-onset biotin-responsive multiple carboxylase deficiency; Biotin deficiency. Identifiers: Orphanet 79241, MedGen C0220754, MONDO:0009665, OMIM 253260.

Submission:

Natera, Inc.
Classification: Pathogenic for Biotinidase deficiency. Last evaluated: 2025-03-27. Review status: criteria provided, single submitter. Criteria: Natera Variant Classification Schema (03/2026). Collection method: clinical testing. Allele origin: germline.
Comment: The c.1369G>A variant in BTD is a missense variant predicted to cause substitution of valine to methionine at amino acid 457. This variant is rare in the general population with a frequency below the threshold expected for the associated phenotype(s). This variant has been observed in one or more individuals affected with the associated recessive disease, as either homozygous or compound heterozygous with a second variant (PMID: 9396567, 28281033, 19728141, 10801053, 38299772, 38141137). Computational prediction algorithms indicate this variant is likely to affect gene or protein function. Given the available evidence, this variant is classified as Pathogenic.

Literature cited by the submitters: PubMed 9396567; PubMed 28281033; PubMed 19728141; PubMed 10801053; PubMed 38299772; PubMed 38141137.